The following is an entry in ClinVar:

ClinVar aggregate classification (germline): Uncertain significance (1 of 4 stars; one submission).

Submission:

GeneDx
Classification: Uncertain significance. Last evaluated: 2019-12-12. Review status: criteria provided, single submitter. Criteria: GeneDx Variant Classification Process June 2021. Collection method: clinical testing. Allele origin: germline. Affected: yes.
Comment: Has not been previously published as pathogenic or benign to our knowledge; No data available from control populations to assess the frequency of this variant; In silico analysis, which includes protein predictors and evolutionary conservation, supports a deleterious effect

NM_080680.3(COL11A2):c.2738G>A (p.Gly913Asp)

Gene: COL11A2 (collagen type XI alpha 2 chain; minus strand). Cytogenetic location: 6p21.32.
Variant type: single nucleotide variant.
Coding change: c.2738G>A on transcript NM_080680.3 (MANE Select); coding-DNA position 2738, G replaced by A.
Protein change: p.Gly913Asp; replaces glycine 913 with aspartic acid.
Molecular consequence: missense variant.
Genome position (GRCh38, 1-based): chr6:33,173,112, C>T on the plus strand (G>A on the coding strand, the complement: COL11A2 is on the minus strand). VCF-style: chr6-33173112-C-T. GRCh37 (hg19) VCF-style: chr6-33140889-C-T.
Other names: c.2417G>A, p.Gly806Asp (NM_080679.3); c.2480G>A, p.Gly827Asp (NM_080681.3); short protein forms G806D, G827D, G913D.
Identifiers: ClinVar variation 1306242 (VCV001306242.2), dbSNP rs1412836601, ClinGen allele CA363640553.